The following is an entry in ClinVar:

ClinVar aggregate classification (germline): Pathogenic (1 of 4 stars; one submission).

Submission:

Labcorp Genetics (formerly Invitae), Labcorp
Classification: Pathogenic. Last evaluated: 2023-07-24. Review status: criteria provided, single submitter. Criteria: Invitae Variant Classification Sherloc (09022015). Collection method: clinical testing. Allele origin: germline.
Comment: For these reasons, this variant has been classified as Pathogenic. This variant disrupts a region of the KCNJ1 protein in which other variant(s) (p.His354Serfs*8) have been determined to be pathogenic (PMID: 11318951). This suggests that this is a clinically significant region of the protein, and that variants that disrupt it are likely to be disease-causing. This variant has not been reported in the literature in individuals affected with KCNJ1-related conditions. This variant is not present in population databases (gnomAD no frequency). This sequence change creates a premature translational stop signal (p.Phe84Serfs*19) in the KCNJ1 gene. While this is not anticipated to result in nonsense mediated decay, it is expected to disrupt the last 308 amino acid(s) of the KCNJ1 protein.

Literature cited by the submitters: PubMed 11318951.

NM_153766.3(KCNJ1):c.194del (p.Phe65fs)

Gene: KCNJ1 (potassium inwardly rectifying channel subfamily J member 1; minus strand). Cytogenetic location: 11q24.3.
Variant type: Deletion.
Coding change: c.194del on transcript NM_153766.3 (MANE Select); coding-DNA position 194, one base deleted (T; older notation c.194delT).
Protein change: p.Phe65fs; shifts the reading frame from phenylalanine 65.
Molecular consequence: frameshift variant.
Genome position (GRCh38, 1-based): chr11:128,840,050, A deleted on the plus strand (T on the coding strand, the reverse complement: KCNJ1 is on the minus strand); the first of 4 consecutive A bases (chr11:128,840,050-128,840,053); deleting any one gives the same sequence. VCF-style (leftmost placement, unchanged base first): chr11-128840049-GA-G. GRCh37 (hg19) VCF-style: chr11-128709944-GA-G.
Other names: c.251del, p.Phe84fs (NM_000220.6); c.194del, p.Phe65fs (NM_153764.3, NM_153767.4); c.245del, p.Phe82fs (NM_153765.3); short protein forms F82fs, F65fs, F84fs.
Identifiers: ClinVar variation 2801479 (VCV002801479.3), dbSNP rs1403952161, ClinGen allele CA673267458.